The following is an entry in ClinVar:

NM_153460.4(IL17RC):c.1019C>T (p.Pro340Leu)

Gene: IL17RC (interleukin 17 receptor C; plus strand). Cytogenetic location: 3p25.3.
Variant type: single nucleotide variant.
Coding change: c.1019C>T on transcript NM_153460.4 (MANE Select); coding-DNA position 1019, C replaced by T.
Protein change: p.Pro340Leu; replaces proline 340 with leucine.
Molecular consequence: missense variant. On other transcripts: non-coding transcript variant (1).
Genome position (GRCh38, 1-based): chr3:9,928,446, C>T. VCF-style: chr3-9928446-C-T. GRCh37 (hg19) VCF-style: chr3-9970130-C-T.
Other names: c.1019C>T, p.Pro340Leu (NM_001203263.2, NM_001203264.2); c.974C>T, p.Pro325Leu (NM_001203265.2, NM_001367280.1, NM_001410711.1 and 1 more transcripts); c.980C>T, p.Pro327Leu (NM_001367278.1); c.899C>T, p.Pro300Leu (NM_001367279.1); c.1232C>T, p.Pro411Leu (NM_153461.4); short protein forms P300L, P325L, P327L, P340L, P411L.
Identifiers: ClinVar variation 2415697 (VCV002415697.6), dbSNP rs774466908, ClinGen allele CA2247104.

ClinVar aggregate classification (germline): Uncertain significance (1 of 4 stars; one submission).

Conditions:
Candidiasis, familial, 9 (CANDF9). Identifiers: Orphanet 1334, MedGen C4225324, MONDO:0014642, OMIM 616445.

Allele frequency attached by ClinVar (database versions not stated): ExAC 0.00001; gnomAD 0.00003; TOPMed 0.00004.

Submission:

Labcorp Genetics (formerly Invitae), Labcorp
Classification: Uncertain significance for Candidiasis, familial, 9. Last evaluated: 2022-12-14. Review status: criteria provided, single submitter. Criteria: Invitae Variant Classification Sherloc (09022015). Collection method: clinical testing. Allele origin: germline.
Comment: In summary, the available evidence is currently insufficient to determine the role of this variant in disease. Therefore, it has been classified as a Variant of Uncertain Significance. Algorithms developed to predict the effect of missense changes on protein structure and function are either unavailable or do not agree on the potential impact of this missense change (SIFT: "Deleterious"; PolyPhen-2: "Benign"; Align-GVGD: "Class C0"). This variant has not been reported in the literature in individuals affected with IL17RC-related conditions. This variant is present in population databases (rs774466908, gnomAD 0.007%). This sequence change replaces proline, which is neutral and non-polar, with leucine, which is neutral and non-polar, at codon 411 of the IL17RC protein (p.Pro411Leu).